The following is an entry in ClinVar:

ClinVar aggregate classification (germline): Uncertain significance. Review status: criteria provided, single submitter (1 of 4 stars). 2 submissions from 2 submitters: Uncertain significance (1). 1 of the submissions does not count toward it. Last evaluated 2023-07-06.

Conditions:
KMT2A-related disorder. Also called: KMT2A-related condition.

Submissions (2):

GeneDx
Classification: Uncertain significance. Last evaluated: 2023-07-06. Review status: criteria provided, single submitter. Criteria: GeneDx Variant Classification Process June 2021. Collection method: clinical testing. Allele origin: germline. Affected: yes.
Comment: Not observed at significant frequency in large population cohorts (gnomAD); In silico analysis supports that this missense variant does not alter protein structure/function; Has not been previously published as pathogenic or benign to our knowledge

PreventionGenetics, part of Exact Sciences
Classification: Uncertain significance for KMT2A-related condition. Last evaluated: 2024-04-18. Review status: no assertion criteria provided. Collection method: clinical testing. Allele origin: germline. Not counted in ClinVar's aggregate classification.
Comment: The KMT2A c.10993G>C variant is predicted to result in the amino acid substitution p.Glu3665Gln. To our knowledge, this variant has not been reported in the literature or in a large population database, indicating this variant is rare. At this time, the clinical significance of this variant is uncertain due to the absence of conclusive functional and genetic evidence.

NM_001197104.2(KMT2A):c.10993G>C (p.Glu3665Gln)

Gene: KMT2A (lysine methyltransferase 2A; plus strand). Cytogenetic location: 11q23.3.
Variant type: single nucleotide variant.
Coding change: c.10993G>C on transcript NM_001197104.2 (MANE Select); coding-DNA position 10993, G replaced by C.
Protein change: p.Glu3665Gln; replaces glutamic acid 3665 with glutamine.
Molecular consequence: missense variant.
Genome position (GRCh38, 1-based): chr11:118,510,040, G>C. VCF-style: chr11-118510040-G-C. GRCh37 (hg19) VCF-style: chr11-118380755-G-C.
Other names: c.11083G>C, p.Glu3695Gln (NM_001412597.1); c.10984G>C, p.Glu3662Gln (NM_005933.4); short protein forms E3662Q, E3665Q, E3695Q.
Identifiers: ClinVar variation 3346314 (VCV003346314.2).